The following is an entry in ClinVar:

NM_003743.5(NCOA1):c.2851C>A (p.Leu951Ile)

Gene: NCOA1 (nuclear receptor coactivator 1; plus strand). Cytogenetic location: 2p23.3.
Variant type: single nucleotide variant.
Coding change: c.2851C>A on transcript NM_003743.5 (MANE Select); coding-DNA position 2851, C replaced by A.
Protein change: p.Leu951Ile; replaces leucine 951 with isoleucine.
Molecular consequence: missense variant.
Genome position (GRCh38, 1-based): chr2:24,728,441, C>A. VCF-style: chr2-24728441-C-A. GRCh37 (hg19) VCF-style: chr2-24951310-C-A.
Other names: c.2851C>A, p.Leu951Ile (NM_001362950.1, NM_001362952.1, NM_001362954.1 and 3 more transcripts); short protein forms L951I.
Identifiers: ClinVar variation 4984512 (VCV004984512.1).

ClinVar aggregate classification (germline): Uncertain significance (1 of 4 stars; one submission).

Conditions:
NCOA1-related disorder. Also called: NCOA1-related condition.

gnomAD v4.1: 37 of 1,613,554 alleles (0.0023%); highest among the groups gnomAD compares: African/African-American, 0.035%; no homozygotes.

Submission:

PreventionGenetics, part of Exact Sciences
Classification: Uncertain significance for NCOA1-related condition. Last evaluated: 2025-11-11. Review status: criteria provided, single submitter. Criteria: ACMG Guidelines, 2015. Collection method: clinical testing. Allele origin: germline.
Comment: The NCOA1 c.2851C>A variant is predicted to result in the amino acid substitution p.Leu951Ile. To our knowledge, this variant has not been reported in the literature. This variant is reported in 0.036% of alleles in individuals of African descent in gnomAD. At this time, the clinical significance of this variant is uncertain due to the absence of conclusive functional and genetic evidence.